The following is an entry in ClinVar:

ClinVar aggregate classification (germline): Likely pathogenic (1 of 4 stars; one submission).

Conditions:
Cranioectodermal dysplasia 1 (CED1). Also called: LEVIN SYNDROME I. Identifiers: Orphanet 1515, MedGen C0432235, MONDO:0021093, OMIM 218330.

Submission:

3billion
Classification: Likely pathogenic for Cranioectodermal dysplasia 1. Last evaluated: 2023-08-22. Review status: criteria provided, single submitter. Criteria: ACMG Guidelines, 2015. Collection method: clinical testing. Allele origin: germline. Affected: yes.
Comment: The variant is not observed in the gnomAD v2.1.1 dataset. Predicted Consequence/Location: Stop-gained (nonsense): predicted to result in a loss or disruption of normal protein function through nonsense-mediated decay (NMD) or protein truncation. Multiple pathogenic variants are reported downstream of the variant. Therefore, this variant is classified as Likely pathogenic according to the recommendation of ACMG/AMP guideline.

NM_052989.3(IFT122):c.234_235insTA (p.Ile79Ter)

Gene: IFT122 (intraflagellar transport 122; plus strand). Cytogenetic location: 3q21.3.
Variant type: Insertion.
Coding change: c.234_235insTA on transcript NM_052989.3 (MANE Select); coding-DNA positions 234 to 235, TA inserted.
Protein change: p.Ile79Ter; replaces isoleucine 79 with a stop codon.
Molecular consequence: nonsense. On other transcripts: 5 prime UTR variant (1), intron variant (4).
Genome position: GRCh38 VCF-style: chr3-129458639-T-TTA. GRCh37 (hg19) VCF-style: chr3-129177482-T-TTA.
Other names: c.234_235insTA, p.Ile79Ter (NM_001280541.2, NM_001410808.1, NM_001410809.1 and 5 more transcripts); c.-217_-216insTA (NM_001280545.2); c.-178-2589_-178-2588insTA (NM_001280546.2); c.194-4921_194-4920insTA (NM_052990.3, NM_001410815.1, NM_001410817.1); short protein forms I79*.
Identifiers: ClinVar variation 3775192 (VCV003775192.1).